The following is an entry in ClinVar:

NM_003000.3(SDHB):c.166_170del (p.Pro56fs)

Gene: SDHB (succinate dehydrogenase complex iron sulfur subunit B; minus strand). Cytogenetic location: 1p36.13.
Variant type: Deletion.
Coding change: c.166_170del on transcript NM_003000.3 (MANE Select); coding-DNA positions 166 to 170, 5 bases deleted (CCTCA; older notation c.166_170delCCTCA).
Protein change: p.Pro56fs; shifts the reading frame from proline 56.
Molecular consequence: frameshift variant.
Genome position (GRCh38, 1-based): chr1:17,044,791-17,044,795, TGAGG deleted on the plus strand (CCTCA on the coding strand, the reverse complement: SDHB is on the minus strand); deleting any 5 consecutive bases within chr1:17,044,791-17,044,796 gives the same sequence; the c. name uses the placement nearest the transcript's 3' end. VCF-style (leftmost placement, unchanged base first): chr1-17044790-ATGAGG-A. GRCh37 (hg19) VCF-style: chr1-17371285-ATGAGG-A.
Other names: c.166_170delCCTCA (NM_003000.2); short protein forms P56fs.
Identifiers: ClinVar variation 185342 (VCV000185342.42), dbSNP rs786202100, ClinGen allele CA015546.

ClinVar aggregate classification (germline): Pathogenic. Review status: criteria provided, multiple submitters, no conflicts (2 of 4 stars). 13 submissions from 12 submitters: Pathogenic (13). Last evaluated 2026-01-11.

Conditions:
SDHB-related disorder. Also called: SDHB-related condition; SDHB-related disorders. Identifiers: MedGen CN239418.
Gastrointestinal stromal tumor. Also called: Gastrointestinal stromal tumor, somatic; Gastrointestinal stroma tumor. Identifiers: Orphanet 44890, MedGen C0238198, MeSH D046152, MONDO:0011719, OMIM 606764, HP:0100723.
Pheochromocytoma. Also called: MAX-Related Hereditary Paraganglioma-Pheochromocytoma Syndrome. Identifiers: Orphanet 29072, MedGen C0031511, MONDO:0008233, OMIM 171300, HP:0002666.
Carney-Stratakis syndrome. Also called: PARAGANGLIOMA AND GASTROINTESTINAL STROMAL TUMOR. Identifiers: Orphanet 97286, MedGen C1847319, MONDO:0011740, OMIM 606864.
Pheochromocytoma/paraganglioma syndrome 4. Also called: Paragangliomas 4; PARAGANGLIOMA, FAMILIAL MALIGNANT; PARAGANGLIOMAS, HEREDITARY EXTRAADRENAL; PHEOCHROMOCYTOMA, FAMILIAL EXTRAADRENAL; SDHB-Related Hereditary Paraganglioma-Pheochromocytoma Syndrome; CAROTID BODY TUMORS AND MULTIPLE EXTRAADRENAL PHEOCHROMOCYTOMAS. Identifiers: Orphanet 29072, MedGen C1861848, MONDO:0007273, OMIM 115310.
Mitochondrial complex 2 deficiency, nuclear type 4. Also called: MITOCHONDRIAL COMPLEX II DEFICIENCY, NUCLEAR TYPE 4. Identifiers: MedGen C5543176, MONDO:0030974, OMIM 619224.
Hereditary cancer-predisposing syndrome. Also called: Tumor predisposition; Neoplastic Syndromes, Hereditary; Hereditary Cancer Syndrome; Hereditary neoplastic syndrome. Identifiers: Orphanet 140162, MedGen C0027672, MeSH D009386, MONDO:0015356.

Submissions 1 to 10 of 13:

Labcorp Genetics (formerly Invitae), Labcorp
Classification: Pathogenic for Gastrointestinal stromal tumor; Pheochromocytoma/paraganglioma syndrome 4; Pheochromocytoma. Last evaluated: 2026-01-11. Review status: criteria provided, single submitter. Criteria: Invitae Variant Classification Sherloc (09022015). Collection method: clinical testing. Allele origin: germline.
Comment: This sequence change creates a premature translational stop signal (p.Pro56Tyrfs*5) in the SDHB gene. It is expected to result in an absent or disrupted protein product. Loss-of-function variants in SDHB are known to be pathogenic (PMID: 19454582, 19802898). This variant is not present in population databases (gnomAD no frequency). This premature translational stop signal has been observed in individuals with pheochromocytoma and/or paraganglioma (PMID: 15328326, 16304664, 17652212, 19258401, 21934479, 25130709). This variant is also known as 300-4delCCTCA or c.300_304delCCTCA. ClinVar contains an entry for this variant (Variation ID: 185342). For these reasons, this variant has been classified as Pathogenic.

Ambry Genetics
Classification: Pathogenic for Hereditary cancer-predisposing syndrome. Last evaluated: 2025-09-24. Review status: criteria provided, single submitter. Criteria: Ambry Variant Classification Scheme 2023. Collection method: clinical testing. Allele origin: germline.
Comment: The c.166_170delCCTCA (p.P56Yfs*5) alteration, located in exon 2 (coding exon 2) of the SDHB gene, consists of a deletion of 5 nucleotides from position 166 to 170, causing a translational frameshift with a predicted alternate stop codon after 5 amino acids. This alteration is expected to result in loss of function by premature protein truncation or nonsense-mediated mRNA decay. This variant was not reported in population-based cohorts in the Genome Aggregation Database (gnomAD). This well-described mutation has been identified in numerous individuals with various tumors across the SDHx spectrum, including pheochromocytoma, paraganglioma, gastrointestinal stromal tumor (GIST), and/or renal cell carcinoma (Neumann, 2004; Mora, 2006; Amar, 2007; Persu, 2008; Burnichon, 2009; Gill, 2011). Haplotype analysis suggests that the c.166_170delCCTCA alteration is enriched in the Spanish population due to a founder effect (Casc&oacute;n, 2009). This alteration was originally described as c.300-4delCCTCA in the literature. Based on the available evidence, this alteration is classified as pathogenic.

Dasa
Classification: Pathogenic. Last evaluated: 2025-08-25. Review status: criteria provided, single submitter. Criteria: DASA Assertion Criteria. Collection method: clinical testing. Allele origin: germline.
Comment: NM_003000.3(SDHB):c.166_170del (p.Pro56Tyrfs*5) is a frameshift variant in SDHB predicted to alter the reading frame and introduce a premature termination codon and is predicted to result in an absent or altered protein product. Loss of function is an established disease mechanism for SDHB (PMID: 16258955; PMID: 19389109; PMID: 17652212). This variant has been recurrently observed in individuals with SDHB-related disorders (PMID: 15328326; PMID: 19258401). Also, this variant is rare in population databases. Based on the currently available evidence, this variant is classified as pathogenic.

Quest Diagnostics Nichols Institute San Juan Capistrano
Classification: Pathogenic. Last evaluated: 2024-05-21. Review status: criteria provided, single submitter. Criteria: Quest Diagnostics criteria. Collection method: clinical testing. Allele origin: unknown.
Comment: The SDHB c.166_170del (p.Pro56Tyrfs*5) variant alters the translational reading frame of the SDHB mRNA and causes the premature termination of SDHB protein synthesis. This variant has been reported in the published literature in individuals and families affected with PGL-PCC syndrome (PMIDs: 15328326 (2004), 21934479 (2011), 31431315 (2019)) and pituitary adenoma (PMID: 34313605 (2021)). This variant has not been reported in large, multi-ethnic general populations (Genome Aggregation Database). Based on the available information, this variant is classified as pathogenic.

Rady Children's Institute for Genomic Medicine, Rady Children's Hospital San Diego
Classification: Pathogenic for SDHB-related disorders. Last evaluated: 2024-03-09. Review status: criteria provided, single submitter. Criteria: ACMG Guidelines, 2015. Collection method: clinical testing. Allele origin: germline. Affected: yes.
Comment: This variant is also referred to as 300-4delCCTCA or c.300_304delCCTCA in the literature. This frameshifting variant in exon 2 of 8 introduces a premature stop codon and is therefore predicted to result in loss of normal protein function through either protein truncation or nonsense-mediated mRNA decay (NMD). Loss-of-function variation in SDHB is an established mechanism of disease (PMID: 20301715, 19454582, 19802898). This variant has been previously reported as a heterozygous change in patients with hereditary paraganglioma-pheochromocytoma syndromes (PMID: 31431315, 31492822, 15328326, 16304664, 17652212, 19258401, 21934479, 25130709, 30262796, 28152038, 30050099). The c.166_170del (p.Pro56TyrfsTer5) variant is absent from the gnomAD population database and thus is presumed to be rare. Based on the available evidence, the c.166_170del (p.Pro56TyrfsTer5) variant is classified as Pathogenic.

Baylor Genetics
Classification: Pathogenic for Gastrointestinal stromal tumor. Last evaluated: 2024-02-18. Review status: criteria provided, single submitter. Criteria: ACMG Guidelines, 2015. Collection method: clinical testing. Allele origin: unknown.

Myriad Genetics, Inc.
Classification: Pathogenic for Pheochromocytoma/paraganglioma syndrome 4. Last evaluated: 2023-03-22. Review status: criteria provided, single submitter. Criteria: Myriad Autosomal Dominant, Autosomal Recessive and X-Linked Classification Criteria (2023). Collection method: clinical testing. Allele origin: unknown.
Comment: This variant is considered pathogenic. This variant creates a frameshift predicted to result in premature protein truncation.

GeneDx
Classification: Pathogenic. Last evaluated: 2023-02-07. Review status: criteria provided, single submitter. Criteria: GeneDx Variant Classification Process June 2021. Collection method: clinical testing. Allele origin: germline. Affected: yes.
Comment: Frameshift variant predicted to result in protein truncation or nonsense mediated decay in a gene for which loss-of-function is a known mechanism of disease; Not observed in large population cohorts (gnomAD); Also known as Pro28TyrfsX5; This variant is associated with the following publications: (PMID: 17652212, 25130709, 28152038, 30050099, 31216007, 21934479, 15328326, 31431315, 31092265, 30262796, 18551016, 28973655, 20208144, 18382370, 31492822, 24436918, 28529006, 31589614, 19258401, 33900943, 34313605)

Fulgent Genetics
Classification: Pathogenic for Pheochromocytoma/paraganglioma syndrome 4; Pheochromocytoma; Gastrointestinal stromal tumor; Carney-Stratakis syndrome; Mitochondrial complex 2 deficiency, nuclear type 4. Last evaluated: 2022-04-10. Review status: criteria provided, single submitter. Criteria: ACMG Guidelines, 2015. Collection method: clinical testing. Allele origin: unknown.

Women's Health and Genetics/Laboratory Corporation of America, LabCorp
Classification: Pathogenic for Pheochromocytoma. Last evaluated: 2022-01-04. Review status: criteria provided, single submitter. Criteria: LabCorp Variant Classification Summary - May 2015. Collection method: clinical testing. Allele origin: germline.
Comment: Variant summary: SDHB c.166_170delCCTCA (p.Pro56TyrfsX5) results in a premature termination codon, predicted to cause a truncation of the encoded protein or absence of the protein due to nonsense mediated decay, which are commonly known mechanisms for disease. This variant is also known as c.32_36delCCTCA in HGVS and 300-4delCCTCA in the literature. Truncations downstream of this position have been classified as pathogenic by our laboratory. The variant was absent in 251378 control chromosomes (gnomAD). c.166_170delCCTCA has been reported in the literature in multiple individuals affected with Paraganglioma and/or Pheochromocytoma (examples: Neumann_2004, Cascon_2009, Burnichon_2009, Andrews_2018 and Benn_2018). These data indicate that the variant is associated with disease. Six clinical diagnostic laboratories have submitted clinical-significance assessments for this variant to ClinVar after 2014 and all classified the variant as pathogenic. Based on the evidence outlined above, the variant was classified as pathogenic.